The following is an entry in ClinVar:

ClinVar aggregate classification (germline): Uncertain significance (1 of 4 stars; one submission).

gnomAD v4.1: 3 of 1,614,168 alleles (0.00019%); highest among the groups gnomAD compares: Non-Finnish European, 0.00025%; no homozygotes.

Submission:

GeneDx
Classification: Uncertain significance. Last evaluated: 2024-12-12. Review status: criteria provided, single submitter. Criteria: GeneDx Variant Classification Process June 2021. Collection method: clinical testing. Allele origin: germline. Affected: yes.
Comment: Not observed at significant frequency in large population cohorts (gnomAD); In silico analysis indicates that this missense variant does not alter protein structure/function; Has not been previously published as pathogenic or benign to our knowledge

NM_020754.4(ARHGAP31):c.3020T>C (p.Phe1007Ser)

Gene: ARHGAP31 (Rho GTPase activating protein 31; plus strand). Cytogenetic location: 3q13.33.
Variant type: single nucleotide variant.
Coding change: c.3020T>C on transcript NM_020754.4 (MANE Select); coding-DNA position 3020, T replaced by C.
Protein change: p.Phe1007Ser; replaces phenylalanine 1007 with serine.
Molecular consequence: missense variant.
Genome position (GRCh38, 1-based): chr3:119,414,949, T>C. VCF-style: chr3-119414949-T-C. GRCh37 (hg19) VCF-style: chr3-119133796-T-C.
Other names: short protein forms F1007S.
Identifiers: ClinVar variation 3903074 (VCV003903074.1).
Genomic context (GRCh38, chr3:119,414,949, plus strand): 5'-TTCAGCCCCAGGCACCCAGGAGAGAGATTACTGGATGGGATGAGAAAGCCCTGAGGTCCT[T>C]CAGAGAGTTCTCTGGCCTGAAAGGGGCAGAGGCTCCTCCCAACCAGAAGGGACCAAGTGG-3'
Protein context (NP_065805.2, residues 997-1017): TGWDEKALRS[Phe1007Ser]REFSGLKGAE